The following is an entry in ClinVar:

ClinVar aggregate classification (germline): Uncertain significance (1 of 4 stars; one submission).

Conditions:
Hereditary cancer-predisposing syndrome. Also called: Neoplastic Syndromes, Hereditary; Tumor predisposition; Hereditary neoplastic syndrome; Hereditary Cancer Syndrome. Identifiers: Orphanet 140162, MedGen C0027672, MeSH D009386, MONDO:0015356.

Submission:

Ambry Genetics
Classification: Uncertain significance for Hereditary cancer-predisposing syndrome. Last evaluated: 2022-11-25. Review status: criteria provided, single submitter. Criteria: Ambry Variant Classification Scheme 2023. Collection method: clinical testing. Allele origin: germline.
Comment: The p.P682T variant (also known as c.2044C>A), located in coding exon 13 of the RAD50 gene, results from a C to A substitution at nucleotide position 2044. The proline at codon 682 is replaced by threonine, an amino acid with highly similar properties. This amino acid position is conserved. In addition, this alteration is predicted to be deleterious by in silico analysis. Since supporting evidence is limited at this time, the clinical significance of this alteration remains unclear.

NM_005732.4(RAD50):c.2044C>A (p.Pro682Thr)

Gene: RAD50 (RAD50 double strand break repair protein; plus strand). Cytogenetic location: 5q31.1.
Variant type: single nucleotide variant.
Coding change: c.2044C>A on transcript NM_005732.4 (MANE Select); coding-DNA position 2044, C replaced by A.
Protein change: p.Pro682Thr; replaces proline 682 with threonine.
Molecular consequence: missense variant.
Genome position (GRCh38, 1-based): chr5:132,595,647, C>A. VCF-style: chr5-132595647-C-A. GRCh37 (hg19) VCF-style: chr5-131931339-C-A.
Other names: short protein forms P682T.
Identifiers: ClinVar variation 2451408 (VCV002451408.2), dbSNP rs2479651907, ClinGen allele CA360949588.
Genomic context (GRCh38, chr5:132,595,647, plus strand): 5'-GCCACAGCAGTTTACTCCCAGTTCATTACTCAGCTAACAGACGAAAACCAGTCATGTTGC[C>A]CCGTTTGTCAGAGAGTTTTTCAGACAGAGGCTGAGTTACAAGAAGTCATCAGTGATTTGC-3'
Protein context (NP_005723.2, residues 672-692): QLTDENQSCC[Pro682Thr]VCQRVFQTEA